The following is an entry in ClinVar:

NM_001737.5(C9):c.1373G>A (p.Trp458Ter)

Gene: C9 (complement C9; minus strand). Cytogenetic location: 5p13.1.
Variant type: single nucleotide variant.
Coding change: c.1373G>A on transcript NM_001737.5 (MANE Select); coding-DNA position 1373, G replaced by A.
Protein change: p.Trp458Ter; replaces tryptophan 458 with a stop codon.
Molecular consequence: nonsense.
Genome position (GRCh38, 1-based): chr5:39,306,660, C>T on the plus strand (G>A on the coding strand, the complement: C9 is on the minus strand). VCF-style: chr5-39306660-C-T. GRCh37 (hg19) VCF-style: chr5-39306762-C-T.
Other names: short protein forms W458*.
Identifiers: ClinVar variation 1957236 (VCV001957236.5), dbSNP rs1016438634, ClinGen allele CA117169923.
Genomic context (GRCh38, chr5:39,306,660, plus strand): 5'-ATAAACACGTTTCTTACTTTTTGACTAATGAGAACAGGAGCATCATTTATGGAAGAGGCC[C>T]AGTTGACAAAGTCAGTCACATCAATCACGGTTCCTCGGAGAAGCTTTTCTTTCAGTTCAA-3'

ClinVar aggregate classification (germline): Pathogenic (1 of 4 stars; one submission).

Allele frequency attached by ClinVar (database versions not stated): gnomAD 0.00001; gnomAD exomes 0.00001; TOPMed 0.00002.
gnomAD v4.1: 24 of 1,613,678 alleles (0.0015%); highest among the groups gnomAD compares: Non-Finnish European, 0.0018%; no homozygotes.

Submission:

Labcorp Genetics (formerly Invitae), Labcorp
Classification: Pathogenic. Last evaluated: 2022-04-16. Review status: criteria provided, single submitter. Criteria: Invitae Variant Classification Sherloc (09022015). Collection method: clinical testing. Allele origin: germline.
Comment: For these reasons, this variant has been classified as Pathogenic. This variant has not been reported in the literature in individuals affected with C9-related conditions. This variant is present in population databases (no rsID available, gnomAD 0.004%). This sequence change creates a premature translational stop signal (p.Trp458*) in the C9 gene. It is expected to result in an absent or disrupted protein product. Loss-of-function variants in C9 are known to be pathogenic (PMID: 9144525, 9570574).

Literature cited by the submitters: PubMed 9144525; PubMed 9570574.